The following is an entry in ClinVar:

NM_000548.5(TSC2):c.4560G>T (p.Leu1520=)

Gene: TSC2 (TSC complex subunit 2; plus strand). Cytogenetic location: 16p13.3.
Variant type: single nucleotide variant.
Coding change: c.4560G>T on transcript NM_000548.5 (MANE Select); coding-DNA position 4560, G replaced by T.
Protein change: p.Leu1520=; no amino-acid change (leucine 1520 retained).
Molecular consequence: synonymous variant.
Genome position (GRCh38, 1-based): chr16:2,085,017, G>T. VCF-style: chr16-2085017-G-T. GRCh37 (hg19) VCF-style: chr16-2135018-G-T.
Other names: c.4359G>T, p.Leu1453= (NM_001077183.3); c.4491G>T, p.Leu1497= (NM_001114382.3); c.4251G>T, p.Leu1417= (NM_001318827.2); c.4215G>T, p.Leu1405= (NM_001318829.2); c.3828G>T, p.Leu1276= (NM_001318831.2); c.4392G>T, p.Leu1464= (NM_001318832.2); c.4362G>T, p.Leu1454= (NM_001363528.2); c.4428G>T, p.Leu1476= (NM_001370404.1); and 1 more.
Identifiers: ClinVar variation 746261 (VCV000746261.17), dbSNP rs1596423200, ClinGen allele CA493043460.

ClinVar aggregate classification (germline): Benign/Likely benign. Review status: criteria provided, multiple submitters, no conflicts (2 of 4 stars). 5 submissions from 5 submitters: Benign (2); Likely benign (3). Last evaluated 2025-06-04.

Conditions:
Tuberous sclerosis syndrome (TSC). Also called: Tuberous sclerosis; Tuberous Sclerosis Complex. Identifiers: Orphanet 805, MedGen C0041341, MONDO:0001734.
Tuberous sclerosis 2 (TSC2). Identifiers: Orphanet 805, MedGen C1860707, MONDO:0013199, OMIM 613254.
Hereditary cancer-predisposing syndrome. Also called: Tumor predisposition; Hereditary Cancer Syndrome; Neoplastic Syndromes, Hereditary; Hereditary neoplastic syndrome. Identifiers: Orphanet 140162, MedGen C0027672, MeSH D009386, MONDO:0015356.

Allele frequency attached by ClinVar (database versions not stated): gnomAD exomes below 0.00001.
gnomAD v4.1: 1 of 1,613,370 alleles (0.000062%); highest among the groups gnomAD compares: Non-Finnish European, 0.000085%; no homozygotes.

Submissions (5):

Myriad Genetics, Inc.
Classification: Benign for Tuberous sclerosis 2. Last evaluated: 2025-06-04. Review status: criteria provided, single submitter. Criteria: Myriad Autosomal Dominant, Autosomal Recessive and X-Linked Classification Criteria (2023). Collection method: clinical testing. Allele origin: unknown.
Comment: This variant is considered benign. This variant is a silent/synonymous amino acid change and it is not expected to impact splicing.

All of Us Research Program, National Institutes of Health
Classification: Likely benign for Tuberous sclerosis syndrome. Last evaluated: 2023-04-28. Review status: criteria provided, single submitter. Criteria: ACMG Guidelines, 2015. Collection method: clinical testing. Allele origin: germline. Inheritance: Autosomal dominant inheritance. Observed: 1 variant allele, 1 heterozygote.
Comment: This study involves interpretation of variants in research participants for the purpose of population health screening. Participant phenotype was not available at the time of variant classification. Additional details can be found in publication PMID: 35346344, PMCID: PMC8962531

Genome-Nilou Lab
Classification: Benign for Tuberous sclerosis 2. Last evaluated: 2021-11-07. Review status: criteria provided, single submitter. Criteria: ACMG Guidelines, 2015. Collection method: clinical testing. Allele origin: germline. Affected: no.

Labcorp Genetics (formerly Invitae), Labcorp
Classification: Likely benign for Tuberous sclerosis 2. Last evaluated: 2021-10-17. Review status: criteria provided, single submitter. Criteria: Invitae Variant Classification Sherloc (09022015). Collection method: clinical testing. Allele origin: germline.

Ambry Genetics
Classification: Likely benign for Hereditary cancer-predisposing syndrome. Last evaluated: 2019-02-27. Review status: criteria provided, single submitter. Criteria: Ambry Variant Classification Scheme 2023. Collection method: clinical testing. Allele origin: germline.